The following is an entry in ClinVar:

NM_001365999.1(SZT2):c.616G>A (p.Asp206Asn)

Gene: SZT2 (SZT2 subunit of KICSTOR complex; plus strand). Cytogenetic location: 1p34.2.
Variant type: single nucleotide variant.
Coding change: c.616G>A on transcript NM_001365999.1 (MANE Select); coding-DNA position 616, G replaced by A.
Protein change: p.Asp206Asn; replaces aspartic acid 206 with asparagine.
Molecular consequence: missense variant.
Genome position (GRCh38, 1-based): chr1:43,415,199, G>A. VCF-style: chr1-43415199-G-A. GRCh37 (hg19) VCF-style: chr1-43880870-G-A.
Other names: c.616G>A, p.Asp206Asn (NM_015284.4); short protein forms D206N.
Identifiers: ClinVar variation 376947 (VCV000376947.12), dbSNP rs764100978, ClinGen allele CA808225.

ClinVar aggregate classification (germline): Uncertain significance. Review status: criteria provided, multiple submitters, no conflicts (2 of 4 stars). 6 submissions from 6 submitters: Uncertain significance (6). Last evaluated 2024-05-23.

Conditions:
Developmental and epileptic encephalopathy, 18 (DEE18). Also called: Early infantile epileptic encephalopathy 18. Identifiers: Orphanet 369894, MedGen C3809624, MONDO:0014201, OMIM 615476.
Inborn genetic diseases. Identifiers: MedGen C0950123, MeSH D030342.

Allele frequency attached by ClinVar (database versions not stated): TOPMed below 0.00001; gnomAD 0.00001; ExAC 0.00003; gnomAD exomes 0.00003.

Submissions (6):

Ambry Genetics
Classification: Uncertain significance for Inborn genetic diseases. Last evaluated: 2024-05-23. Review status: criteria provided, single submitter. Criteria: Ambry Variant Classification Scheme 2023. Collection method: clinical testing. Allele origin: germline.

Revvity Omics, Revvity
Classification: Uncertain significance for Developmental and epileptic encephalopathy, 18. Last evaluated: 2023-07-10. Review status: criteria provided, single submitter. Criteria: ACMG Guidelines, 2015. Collection method: clinical testing. Allele origin: germline.

Genome-Nilou Lab
Classification: Uncertain significance for Developmental and epileptic encephalopathy, 18. Last evaluated: 2023-04-11. Review status: criteria provided, single submitter. Criteria: ACMG Guidelines, 2015. Collection method: clinical testing. Allele origin: germline. Affected: no.

Labcorp Genetics (formerly Invitae), Labcorp
Classification: Uncertain significance. Last evaluated: 2022-09-01. Review status: criteria provided, single submitter. Criteria: Invitae Variant Classification Sherloc (09022015). Collection method: clinical testing. Allele origin: germline.
Comment: This sequence change replaces aspartic acid, which is acidic and polar, with asparagine, which is neutral and polar, at codon 206 of the SZT2 protein (p.Asp206Asn). This variant is present in population databases (rs764100978, gnomAD 0.02%). This variant has not been reported in the literature in individuals affected with SZT2-related conditions. ClinVar contains an entry for this variant (Variation ID: 376947). Algorithms developed to predict the effect of missense changes on protein structure and function are either unavailable or do not agree on the potential impact of this missense change (SIFT: "Deleterious"; PolyPhen-2: "Benign"; Align-GVGD: "Class C0"). In summary, the available evidence is currently insufficient to determine the role of this variant in disease. Therefore, it has been classified as a Variant of Uncertain Significance.

Clinical Genetics Laboratory, Skane University Hospital Lund
Classification: Uncertain significance. Last evaluated: 2022-05-27. Review status: criteria provided, single submitter. Criteria: ACMG Guidelines, 2015. Collection method: clinical testing. Allele origin: germline. Affected: yes.

Center for Pediatric Genomic Medicine, Children's Mercy Hospital and Clinics
Classification: Uncertain significance. Last evaluated: 2016-07-11. Review status: criteria provided, single submitter. Criteria: ACMG Guidelines, 2015. Collection method: clinical testing. Allele origin: germline.
ClinVar note: Converted during submission from Uncertain Significance to Uncertain significance.